The following is an entry in ClinVar:

NM_000836.4(GRIN2D):c.3076G>A (p.Gly1026Ser)

Gene: GRIN2D (glutamate ionotropic receptor NMDA type subunit 2D; plus strand). Cytogenetic location: 19q13.33.
Variant type: single nucleotide variant.
Coding change: c.3076G>A on transcript NM_000836.4 (MANE Select); coding-DNA position 3076, G replaced by A.
Protein change: p.Gly1026Ser; replaces glycine 1026 with serine.
Molecular consequence: missense variant.
Genome position (GRCh38, 1-based): chr19:48,443,002, G>A. VCF-style: chr19-48443002-G-A. GRCh37 (hg19) VCF-style: chr19-48946259-G-A.
Other names: short protein forms G1026S.
Identifiers: ClinVar variation 1029954 (VCV001029954.5), dbSNP rs900615101, ClinGen allele CA309298992.

ClinVar aggregate classification (germline): Uncertain significance. Review status: criteria provided, multiple submitters, no conflicts (2 of 4 stars). 3 submissions from 3 submitters: Uncertain significance (3). Last evaluated 2024-09-22.

Conditions:
Developmental and epileptic encephalopathy, 46 (DEE46). Also called: Epileptic encephalopathy, early infantile, 46; GRIN2D-Related Developmental and Epileptic Encephalopathy. Identifiers: MedGen C4310687, MONDO:0014947, OMIM 617162.

Allele frequency attached by ClinVar (database versions not stated): gnomAD 0.00002; TOPMed 0.00002.
gnomAD v4.1: 4 of 1,092,784 alleles (0.00037%); highest among the groups gnomAD compares: Admixed American, 0.0051%; no homozygotes.

Submissions (3):

Genomic Medicine Center of Excellence, King Faisal Specialist Hospital and Research Centre
Classification: Uncertain significance for Developmental and epileptic encephalopathy, 46. Last evaluated: 2024-09-22. Review status: criteria provided, single submitter. Criteria: ACMG Guidelines, 2015. Collection method: clinical testing. Allele origin: germline.

Labcorp Genetics (formerly Invitae), Labcorp
Classification: Uncertain significance. Last evaluated: 2024-04-02. Review status: criteria provided, single submitter. Criteria: Invitae Variant Classification Sherloc (09022015). Collection method: clinical testing. Allele origin: germline.
Comment: This sequence change replaces glycine, which is neutral and non-polar, with serine, which is neutral and polar, at codon 1026 of the GRIN2D protein (p.Gly1026Ser). This variant is not present in population databases (gnomAD no frequency). This variant has not been reported in the literature in individuals affected with GRIN2D-related conditions. ClinVar contains an entry for this variant (Variation ID: 1029954). Advanced modeling of protein sequence and biophysical properties (such as structural, functional, and spatial information, amino acid conservation, physicochemical variation, residue mobility, and thermodynamic stability) performed at Invitae indicates that this missense variant is not expected to disrupt GRIN2D protein function with a negative predictive value of 95%. In summary, the available evidence is currently insufficient to determine the role of this variant in disease. Therefore, it has been classified as a Variant of Uncertain Significance.

Baylor Genetics
Classification: Uncertain significance for Developmental and epileptic encephalopathy, 46. Last evaluated: 2019-10-25. Review status: criteria provided, single submitter. Criteria: ACMG Guidelines, 2015. Collection method: clinical testing. Allele origin: unknown. Affected: yes.
Comment: This variant was determined to be of uncertain significance according to ACMG Guidelines, 2015 [PMID:25741868].